The following is an entry in ClinVar:

ClinVar aggregate classification (germline): Uncertain significance. Review status: criteria provided, multiple submitters, no conflicts (2 of 4 stars). 5 submissions from 5 submitters: Uncertain significance (4). 1 of the submissions does not count toward it. Last evaluated 2025-01-07.

Conditions:
Hereditary cancer-predisposing syndrome. Also called: Tumor predisposition; Hereditary Cancer Syndrome; Neoplastic Syndromes, Hereditary; Hereditary neoplastic syndrome. Identifiers: Orphanet 140162, MedGen C0027672, MeSH D009386, MONDO:0015356.
Familial cancer of breast. Also called: Hereditary breast cancer; hereditary breast carcinoma; BREAST CANCER, FAMILIAL. Identifiers: Orphanet 227535, MedGen C0346153, MONDO:0016419, OMIM 114480. Disease mechanism: loss of function.
Ataxia-telangiectasia syndrome (AT). Also called: Cerebello-oculocutaneous telangiectasia; Immunodeficiency with ataxia telangiectasia; Ataxia-telangiectasia, complementation group D; AT, COMPLEMENTATION GROUP C; Ataxia-telangiectasia, complementation group E; LOUIS-BAR SYNDROME. Identifiers: Orphanet 100, MedGen C0004135, MONDO:0008840, OMIM 208900.

Allele frequency attached by ClinVar (database versions not stated): gnomAD exomes 0.00001.
gnomAD v4.1: 8 of 1,611,482 alleles (0.0005%); highest among the groups gnomAD compares: Non-Finnish European, 0.00068%; no homozygotes.

Submissions (5):

Labcorp Genetics (formerly Invitae), Labcorp
Classification: Uncertain significance for Ataxia-telangiectasia syndrome. Last evaluated: 2025-01-07. Review status: criteria provided, single submitter. Criteria: Invitae Variant Classification Sherloc (09022015). Collection method: clinical testing. Allele origin: germline.
Comment: This sequence change replaces histidine, which is basic and polar, with arginine, which is basic and polar, at codon 291 of the ATM protein (p.His291Arg). This variant is not present in population databases (gnomAD no frequency). This variant has not been reported in the literature in individuals affected with ATM-related conditions. ClinVar contains an entry for this variant (Variation ID: 453744). Invitae Evidence Modeling of protein sequence and biophysical properties (such as structural, functional, and spatial information, amino acid conservation, physicochemical variation, residue mobility, and thermodynamic stability) has been performed for this missense variant. However, the output from this modeling did not meet the statistical confidence thresholds required to predict the impact of this variant on ATM protein function. In summary, the available evidence is currently insufficient to determine the role of this variant in disease. Therefore, it has been classified as a Variant of Uncertain Significance.

Ambry Genetics
Classification: Uncertain significance for Hereditary cancer-predisposing syndrome. Last evaluated: 2024-07-17. Review status: criteria provided, single submitter. Criteria: Ambry Variant Classification Scheme 2023. Collection method: clinical testing. Allele origin: germline.
Comment: The p.H291R variant (also known as c.872A>G), located in coding exon 6 of the ATM gene, results from an A to G substitution at nucleotide position 872. The histidine at codon 291 is replaced by arginine, an amino acid with highly similar properties. This amino acid position is highly conserved in available vertebrate species. In addition, this alteration is predicted to be deleterious by in silico analysis. Based on the available evidence, the clinical significance of this variant remains unclear.

Baylor Genetics
Classification: Uncertain significance for Familial cancer of breast. Last evaluated: 2023-12-05. Review status: criteria provided, single submitter. Criteria: ACMG Guidelines, 2015. Collection method: clinical testing. Allele origin: unknown.

Women's Health and Genetics/Laboratory Corporation of America, LabCorp
Classification: Uncertain significance. Last evaluated: 2022-02-10. Review status: criteria provided, single submitter. Criteria: LabCorp Variant Classification Summary - May 2015. Collection method: clinical testing. Allele origin: germline.
Comment: Variant summary: ATM c.872A>G (p.His291Arg) results in a non-conservative amino acid change in the encoded protein sequence. Four of five in-silico tools predict a damaging effect of the variant on protein function. The variant was absent in 248828 control chromosomes (gnomAD). The available data on variant occurrences in the general population are insufficient to allow any conclusion about variant significance. c.872A>G has been reported in the literature in an individual affected with Breast Cancer (Dorling_2021). This report does not provide unequivocal conclusions about association of the variant with Breast Cancer. To our knowledge, no experimental evidence demonstrating an impact on protein function has been reported. Two ClinVar submitters (evaluation after 2014) cite the variant as uncertain significance. One of the submitters reported the variant was observed in an individual affected with cancer. However, in that individual a pathogenic allele was also identified in ATM, suggesting that c.872A>G may not be the primary cause of disease (SCV000622844.4). Based on the evidence outlined above, the variant was classified as uncertain significance.

Natera, Inc.
Classification: Uncertain significance for Ataxia-telangiectasia. Last evaluated: 2021-04-08. Review status: no assertion criteria provided. Collection method: clinical testing. Allele origin: germline. Not counted in ClinVar's aggregate classification.

Literature cited by the submitters: PubMed 33471991 (cited by Ambry Genetics and Women's Health and Genetics/Laboratory Corporation of America, LabCorp).

NM_000051.4(ATM):c.872A>G (p.His291Arg)

Gene: ATM (ATM serine/threonine kinase; plus strand). Cytogenetic location: 11q22.3.
Variant type: single nucleotide variant.
Coding change: c.872A>G on transcript NM_000051.4 (MANE Select); coding-DNA position 872, A replaced by G.
Protein change: p.His291Arg; replaces histidine 291 with arginine.
Molecular consequence: missense variant.
Genome position (GRCh38, 1-based): chr11:108,244,997, A>G. VCF-style: chr11-108244997-A-G. GRCh37 (hg19) VCF-style: chr11-108115724-A-G.
Other names: c.872A>G, p.His291Arg (NM_001351834.2); short protein forms H291R.
Identifiers: ClinVar variation 453744 (VCV000453744.22), dbSNP rs1555067285, ClinGen allele CA382529539.
Genomic context (GRCh38, chr11:108,244,997, plus strand): 5'-TTAATGATTCTTTAAAAGAAGTCATTATTGAATTATTTCAACTGCAAATTTATATCCATC[A>G]TCCGAAAGGAGCCAAAACCCAAGAAAAAGGTATAAAGGAAATGTTTACTGTTTTGAATTT-3'
Protein context (NP_000042.3, residues 281-301): ELFQLQIYIH[His291Arg]PKGAKTQEKG